The following is an entry in ClinVar:

ClinVar aggregate classification (germline): Uncertain significance (1 of 4 stars; one submission).

Submission:

Labcorp Genetics (formerly Invitae), Labcorp
Classification: Uncertain significance. Last evaluated: 2024-01-31. Review status: criteria provided, single submitter. Criteria: Invitae Variant Classification Sherloc (09022015). Collection method: clinical testing. Allele origin: germline.
Comment: This sequence change replaces leucine, which is neutral and non-polar, with phenylalanine, which is neutral and non-polar, at codon 74 of the TTC37 protein (p.Leu74Phe). This variant is not present in population databases (gnomAD no frequency). This variant has not been reported in the literature in individuals affected with TTC37-related conditions. An algorithm developed to predict the effect of missense changes on protein structure and function (PolyPhen-2) suggests that this variant is likely to be disruptive. In summary, the available evidence is currently insufficient to determine the role of this variant in disease. Therefore, it has been classified as a Variant of Uncertain Significance.

NM_014639.4(SKIC3):c.222A>C (p.Leu74Phe)

Gene: SKIC3 (SKI3 subunit of superkiller complex; minus strand). Cytogenetic location: 5q15.
Variant type: single nucleotide variant.
Coding change: c.222A>C on transcript NM_014639.4 (MANE Select); coding-DNA position 222, A replaced by C.
Protein change: p.Leu74Phe; replaces leucine 74 with phenylalanine.
Molecular consequence: missense variant.
Genome position (GRCh38, 1-based): chr5:95,543,196, T>G on the plus strand (A>C on the coding strand, the complement: SKIC3 is on the minus strand). VCF-style: chr5-95543196-T-G. GRCh37 (hg19) VCF-style: chr5-94878900-T-G.
Other names: short protein forms L74F.
Identifiers: ClinVar variation 2704579 (VCV002704579.3), dbSNP rs2530808802, ClinGen allele CA360446358.